The following is an entry in ClinVar:

ClinVar aggregate classification (germline): Pathogenic (1 of 4 stars; one submission).

Submission:

Labcorp Genetics (formerly Invitae), Labcorp
Classification: Pathogenic. Last evaluated: 2023-02-27. Review status: criteria provided, single submitter. Criteria: Invitae Variant Classification Sherloc (09022015). Collection method: clinical testing. Allele origin: unknown.
Comment: For these reasons, this variant has been classified as Pathogenic. This variant has not been reported in the literature in individuals affected with ABCA3-related conditions. This variant is a gross deletion of the genomic region encompassing exon(s) 16-17 of the ABCA3 gene. This deletion is out-of-frame, and is expected to create a premature termination codon and result in an absent or disrupted protein product. Loss-of-function variants in ABCA3 are known to be pathogenic (PMID: 27516224).

Literature cited by the submitters: PubMed 27516224.

NC_000016.9:g.(?_2347310)_(2347942_?)del

Gene: ABCA3 (ATP binding cassette subfamily A member 3; minus strand). Cytogenetic location: 16p13.3.
Variant type: Deletion.
Identifiers: ClinVar variation 3243607 (VCV003243607.1).